The following is an entry in ClinVar:

NM_017780.4(CHD7):c.2672C>A (p.Ala891Glu)

Gene: CHD7 (chromodomain helicase DNA binding protein 7; plus strand). Cytogenetic location: 8q12.2.
Variant type: single nucleotide variant.
Coding change: c.2672C>A on transcript NM_017780.4 (MANE Select); coding-DNA position 2672, C replaced by A.
Protein change: p.Ala891Glu; replaces alanine 891 with glutamic acid.
Molecular consequence: missense variant. On other transcripts: intron variant (1).
Genome position (GRCh38, 1-based): chr8:60,820,065, C>A. VCF-style: chr8-60820065-C-A. GRCh37 (hg19) VCF-style: chr8-61732624-C-A.
Other names: c.1716+39015C>A (NM_001316690.1); short protein forms A891E.
Identifiers: ClinVar variation 2810746 (VCV002810746.3), dbSNP rs2487793190, ClinGen allele CA371306791.

ClinVar aggregate classification (germline): Uncertain significance (1 of 4 stars; one submission).

Conditions:
CHARGE syndrome (CHARGE). Also called: Hittner Hirsch Kreh syndrome; CHARGE ASSOCIATION--COLOBOMA, HEART ANOMALY, CHOANAL ATRESIA, RETARDATION, GENITAL AND EAR ANOMALIES; Coloboma, heart anomaly, choanal atresia, retardation, genital and ear anomalies; CHARGE association; Hall-Hittner syndrome. Identifiers: Orphanet 138, MedGen C0265354, MONDO:0008965.

Submission:

Labcorp Genetics (formerly Invitae), Labcorp
Classification: Uncertain significance for CHARGE syndrome. Last evaluated: 2023-12-19. Review status: criteria provided, single submitter. Criteria: Invitae Variant Classification Sherloc (09022015). Collection method: clinical testing. Allele origin: germline.
Comment: This sequence change replaces alanine, which is neutral and non-polar, with glutamic acid, which is acidic and polar, at codon 891 of the CHD7 protein (p.Ala891Glu). This variant is not present in population databases (gnomAD no frequency). This variant has not been reported in the literature in individuals affected with CHD7-related conditions. Advanced modeling of protein sequence and biophysical properties (such as structural, functional, and spatial information, amino acid conservation, physicochemical variation, residue mobility, and thermodynamic stability) performed at Invitae indicates that this missense variant is not expected to disrupt CHD7 protein function with a negative predictive value of 80%. In summary, the available evidence is currently insufficient to determine the role of this variant in disease. Therefore, it has been classified as a Variant of Uncertain Significance.